The following is an entry in ClinVar:

ClinVar aggregate classification (germline): Pathogenic. Review status: criteria provided, multiple submitters, no conflicts (2 of 4 stars). 5 submissions from 5 submitters: Pathogenic (3). 2 of the submissions do not count toward it. Last evaluated 2025-12-23.

Conditions:
Birt-Hogg-Dube syndrome. Also called: Birt Hogg Dubé syndrome. Identifiers: Orphanet 122, MedGen C0346010, MONDO:0800444.

Submissions (5):

Labcorp Genetics (formerly Invitae), Labcorp
Classification: Pathogenic for Birt-Hogg-Dube syndrome. Last evaluated: 2025-12-23. Review status: criteria provided, single submitter. Criteria: Invitae Variant Classification Sherloc (09022015). Collection method: clinical testing. Allele origin: germline.
Comment: This sequence change creates a premature translational stop signal (p.Pro311Argfs*78) in the FLCN gene. It is expected to result in an absent or disrupted protein product. Loss-of-function variants in FLCN are known to be pathogenic (PMID: 15852235). This variant is not present in population databases (gnomAD no frequency). This premature translational stop signal has been observed in individual(s) with clinical features of Birt-Hogg-Dubé syndrome (PMID: 24393238, 28805452). ClinVar contains an entry for this variant (Variation ID: 373895). For these reasons, this variant has been classified as Pathogenic.

GeneDx
Classification: Pathogenic. Last evaluated: 2025-01-19. Review status: criteria provided, single submitter. Criteria: GeneDx Variant Classification Process June 2021. Collection method: clinical testing. Allele origin: germline. Affected: yes.
Comment: Frameshift variant predicted to result in protein truncation or nonsense mediated decay in a gene for which loss of function is a known mechanism of disease; Not observed at significant frequency in large population cohorts (gnomAD); Identified in individuals with features consistent with Birt-Hogg-Dub syndrome referred for genetic testing at GeneDx and in published literature (PMID: 24393238, 27905298, 37490463); This variant is associated with the following publications: (PMID: 24393238, 27905298, 28805452, 37490463)

Mayo Clinic Laboratories, Mayo Clinic
Classification: Pathogenic. Last evaluated: 2024-03-08. Review status: criteria provided, single submitter. Criteria: ACMG Guidelines, 2015. Collection method: clinical testing. Allele origin: germline. Observed: 1 variant allele.
Comment: PP4, PM2_moderate, PVS1

Division of Respiratory Medicine of Juntendo University, Juntendo University Faculty of Medicine and Graduate School of Medicine
Classification: Pathogenic for Birt-Hogg-Dube syndrome 1. Last evaluated: 2023-07-01. Review status: no assertion criteria provided. Collection method: clinical testing. Allele origin: germline. Affected: yes. Not counted in ClinVar's aggregate classification.

Department of Medical Genetics, Gazi University
Classification: Pathogenic for Birt-Hogg-Dube syndrome 1. Review status: no assertion criteria provided. Collection method: research. Allele origin: paternal. Affected: yes. Not counted in ClinVar's aggregate classification.

Literature cited by the submitters: PubMed 15852235 (cited by Labcorp Genetics (formerly Invitae), Labcorp); PubMed 24393238 (cited by Labcorp Genetics (formerly Invitae), Labcorp and Mayo Clinic Laboratories, Mayo Clinic); PubMed 28805452 (cited by Labcorp Genetics (formerly Invitae), Labcorp and Mayo Clinic Laboratories, Mayo Clinic); PubMed 37490463 (cited by Mayo Clinic Laboratories, Mayo Clinic).

NM_144997.7(FLCN):c.932_933del (p.Pro311fs)

Gene: FLCN (folliculin; minus strand). Cytogenetic location: 17p11.2.
Variant type: Deletion.
Coding change: c.932_933del on transcript NM_144997.7 (MANE Select); coding-DNA positions 932 to 933, 2 bases deleted (CT; older notation c.932_933delCT).
Protein change: p.Pro311fs; shifts the reading frame from proline 311.
Molecular consequence: frameshift variant.
Genome position (GRCh38, 1-based): chr17:17,219,148-17,219,149, AG deleted on the plus strand (CT on the coding strand, the reverse complement: FLCN is on the minus strand). VCF-style (leftmost placement, unchanged base first): chr17-17219147-CAG-C. GRCh37 (hg19) VCF-style: chr17-17122461-CAG-C.
Other names: p.Pro311Argfs*78; c.932_933del (LRG_325t1); c.986_987del, p.Pro329fs (NM_001353229.2); c.932_933del, p.Pro311fs (NM_001353230.2, NM_001353231.2); c.932_933delCT (NM_144997.5); short protein forms P329fs, P311fs.
Identifiers: ClinVar variation 373895 (VCV000373895.13), dbSNP rs1555608614, ClinGen allele CA16043355.